The following is an entry in ClinVar:

NM_001386795.1(DTNA):c.1259A>G (p.Gln420Arg)

Gene: DTNA (dystrobrevin alpha; plus strand). Cytogenetic location: 18q12.1.
Variant type: single nucleotide variant.
Coding change: c.1259A>G on transcript NM_001386795.1 (MANE Select); coding-DNA position 1259, A replaced by G.
Protein change: p.Gln420Arg; replaces glutamine 420 with arginine.
Molecular consequence: missense variant. On other transcripts: intron variant (33).
Genome position (GRCh38, 1-based): chr18:34,838,750, A>G. VCF-style: chr18-34838750-A-G. GRCh37 (hg19) VCF-style: chr18-32418714-A-G.
Other names: c.305A>G, p.Gln102Arg (NM_001198942.1); c.1259A>G, p.Gln420Arg (NM_001386788.1); c.1178A>G, p.Gln393Arg (NM_001390.5, NM_001391.5); c.1169A>G, p.Gln390Arg (NM_032978.7); c.1095-9546A>G (NM_032975.4, NM_001386761.1, NM_001386762.1 and 1 more transcripts); c.1175+9261A>G (NM_001386754.1, NM_001386755.1, NM_001386760.1 and 5 more transcripts); c.1086-9546A>G (NM_001386763.1, NM_001386764.1, NM_001386768.1 and 13 more transcripts); c.604-13081A>G (NM_001198945.2); and 4 more; short protein forms Q393R, Q390R, Q420R, Q102R.
Identifiers: ClinVar variation 1372756 (VCV001372756.8), dbSNP rs754697522, ClinGen allele CA8935660.

ClinVar aggregate classification (germline): Uncertain significance (1 of 4 stars; one submission).

Conditions:
Left ventricular noncompaction 1 (LVNC1). Also called: LEFT VENTRICULAR NONCOMPACTION 1 WITH OR WITHOUT CONGENITAL HEART DEFECTS. Identifiers: Orphanet 54260, MedGen C1858725, MONDO:0011403, OMIM 604169.

Allele frequency attached by ClinVar (database versions not stated): gnomAD exomes below 0.00001 and 0.00001; TOPMed below 0.00001; ExAC 0.00001.
gnomAD v4.1: 6 of 1,613,574 alleles (0.00037%); highest among the groups gnomAD compares: South Asian, 0.0011%; no homozygotes.

Submission:

Labcorp Genetics (formerly Invitae), Labcorp
Classification: Uncertain significance for Left ventricular noncompaction 1. Last evaluated: 2025-08-16. Review status: criteria provided, single submitter. Criteria: Invitae Variant Classification Sherloc (09022015). Collection method: clinical testing. Allele origin: germline.
Comment: This sequence change replaces glutamine, which is neutral and polar, with arginine, which is basic and polar, at codon 393 of the DTNA protein (p.Gln393Arg). This variant is present in population databases (rs754697522, gnomAD 0.003%). This variant has not been reported in the literature in individuals affected with DTNA-related conditions. ClinVar contains an entry for this variant (Variation ID: 1372756). An algorithm developed to predict the effect of missense changes on protein structure and function (PolyPhen-2) suggests that this variant is likely to be tolerated. In summary, the available evidence is currently insufficient to determine the role of this variant in disease. Therefore, it has been classified as a Variant of Uncertain Significance.